The following is an entry in ClinVar:

ClinVar aggregate classification (germline): Uncertain significance (1 of 4 stars; one submission).

Conditions:
Progressive sclerosing poliodystrophy (MTDPS4A). Also called: ALPERS PROGRESSIVE INFANTILE POLIODYSTROPHY; NEURONAL DEGENERATION OF CHILDHOOD WITH LIVER DISEASE, PROGRESSIVE; Alpers Syndrome; ALPERS DIFFUSE DEGENERATION OF CEREBRAL GRAY MATTER WITH HEPATIC CIRRHOSIS; Alpers-Huttenlocher Syndrome; Mitochondrial DNA depletion syndrome 4A (Alpers type). Identifiers: Orphanet 726, MedGen C0205710, MONDO:0008758, OMIM 203700.

gnomAD v4.1: 2 of 1,614,032 alleles (0.00012%); highest among the groups gnomAD compares: Non-Finnish European, 0.000085%; no homozygotes.

Submission:

Labcorp Genetics (formerly Invitae), Labcorp
Classification: Uncertain significance for Progressive sclerosing poliodystrophy. Last evaluated: 2024-07-16. Review status: criteria provided, single submitter. Criteria: Invitae Variant Classification Sherloc (09022015). Collection method: clinical testing. Allele origin: germline.
Comment: This sequence change replaces lysine, which is basic and polar, with arginine, which is basic and polar, at codon 383 of the POLG protein (p.Lys383Arg). This variant is not present in population databases (gnomAD no frequency). This variant has not been reported in the literature in individuals affected with POLG-related conditions. Advanced modeling of protein sequence and biophysical properties (such as structural, functional, and spatial information, amino acid conservation, physicochemical variation, residue mobility, and thermodynamic stability) performed at Invitae indicates that this missense variant is not expected to disrupt POLG protein function with a negative predictive value of 95%. In summary, the available evidence is currently insufficient to determine the role of this variant in disease. Therefore, it has been classified as a Variant of Uncertain Significance.

NM_002693.3(POLG):c.1148A>G (p.Lys383Arg)

Gene: POLG (DNA polymerase gamma, catalytic subunit; minus strand). Cytogenetic location: 15q26.1.
Variant type: single nucleotide variant.
Coding change: c.1148A>G on transcript NM_002693.3 (MANE Select); coding-DNA position 1148, A replaced by G.
Protein change: p.Lys383Arg; replaces lysine 383 with arginine.
Molecular consequence: missense variant.
Genome position (GRCh38, 1-based): chr15:89,328,707, T>C on the plus strand (A>G on the coding strand, the complement: POLG is on the minus strand). VCF-style: chr15-89328707-T-C. GRCh37 (hg19) VCF-style: chr15-89871938-T-C.
Other names: c.1148A>G, p.Lys383Arg (NM_001126131.2); short protein forms K383R.
Identifiers: ClinVar variation 3706235 (VCV003706235.2).